The following is an entry in ClinVar:

ClinVar aggregate classification (germline): Likely benign (1 of 4 stars; one submission).

gnomAD v4.1: 4 of 1,614,194 alleles (0.00025%); highest among the groups gnomAD compares: Non-Finnish European, 0.00034%; no homozygotes.

Submission:

CeGaT Center for Human Genetics Tuebingen
Classification: Likely benign. Last evaluated: 2025-01-01. Review status: criteria provided, single submitter. Criteria: CeGaT Center For Human Genetics Tuebingen Variant Classification Criteria Version 2. Collection method: clinical testing. Allele origin: germline. Affected: yes. Observed: 1 variant allele.
Comment: NRP1: BP4, BP7

NM_003873.7(NRP1):c.1864+53T>C

Gene: NRP1 (neuropilin 1; minus strand). Cytogenetic location: 10p11.22.
Variant type: single nucleotide variant.
Coding change: c.1864+53T>C on transcript NM_003873.7 (MANE Select); 53 bases into the intron after coding-DNA position 1864, T replaced by C.
Molecular consequence: intron variant.
Genome position (GRCh38, 1-based): chr10:33,202,838, A>G on the plus strand (T>C on the coding strand, the complement: NRP1 is on the minus strand). VCF-style: chr10-33202838-A-G. GRCh37 (hg19) VCF-style: chr10-33491766-A-G.
Other names: c.1843+74T>C (NM_001244973.2, NM_001244972.2); c.1864+53T>C (NM_001330068.2, NM_001024628.3); c.1759+4734T>C (NM_001024629.3).
Identifiers: ClinVar variation 3771532 (VCV003771532.13).